The following is an entry in ClinVar:

ClinVar aggregate classification (germline): Likely pathogenic (1 of 4 stars; one submission).

Conditions:
Familial cancer of breast. Also called: BREAST CANCER, FAMILIAL; Hereditary breast cancer; hereditary breast carcinoma. Identifiers: Orphanet 227535, MedGen C0346153, MONDO:0016419, OMIM 114480. Disease mechanism: loss of function.

Submission:

Labcorp Genetics (formerly Invitae), Labcorp
Classification: Likely pathogenic for Familial cancer of breast. Last evaluated: 2019-07-05. Review status: criteria provided, single submitter. Criteria: Invitae Variant Classification Sherloc (09022015). Collection method: clinical testing. Allele origin: germline.
Comment: In summary, the currently available evidence indicates that the variant is pathogenic, but additional data are needed to prove that conclusively. Therefore, this variant has been classified as Likely Pathogenic. Loss-of-function variants in BARD1 are known to be pathogenic (PMID: 20077502, 21344236). This variant has not been reported in the literature in individuals with BARD1-related conditions. This variant results in a copy number gain of the genomic region encompassing exon 6 of the BARD1 gene. While the exact position of this variant cannot be determined from this data, sub-genic copy number gains are generally in tandem (PMID: 25640679) and may result in an absent or disrupted protein product.

Literature cited by the submitters: PubMed 20077502; PubMed 21344236; PubMed 25640679.

NC_000002.12:g.(?_214767472)_(214767664_?)dup

Gene: BARD1 (BRCA1 associated RING domain 1; minus strand). Cytogenetic location: 2q35.
Variant type: Duplication.
Identifiers: ClinVar variation 830457 (VCV000830457.4).